The following is an entry in ClinVar:

NM_000052.7(ATP7A):c.1907G>A (p.Arg636Gln)

Gene: ATP7A (ATPase copper transporting alpha; plus strand). Cytogenetic location: Xq21.1.
Variant type: single nucleotide variant.
Coding change: c.1907G>A on transcript NM_000052.7 (MANE Select); coding-DNA position 1907, G replaced by A.
Protein change: p.Arg636Gln; replaces arginine 636 with glutamine.
Molecular consequence: missense variant.
Genome position (GRCh38, 1-based): chrX:78,011,213, G>A. VCF-style: chrX-78011213-G-A. GRCh37 (hg19) VCF-style: chrX-77266710-G-A.
Other names: c.1907G>A, p.Arg636Gln (NM_001282224.2); short protein forms R636Q.
Identifiers: ClinVar variation 1413329 (VCV001413329.10), dbSNP rs1557234412, ClinGen allele CA413597975.
Genomic context (GRCh38, chrX:78,011,213, plus strand): 5'-TTTTTTCTCATGAATTTCCTTAGAGCTTAGGTTTTGAAGCTTCTTTGGTCAAGAAGGATC[G>A]GTCAGCAAGTCACTTAGATCATAAACGAGAAATAAGACAGTAAGTACTTTGGAGTGTCAG-3'
Protein context (NP_000043.4, residues 626-646): GFEASLVKKD[Arg636Gln]SASHLDHKRE

ClinVar aggregate classification (germline): Conflicting classifications of pathogenicity. Review status: criteria provided, conflicting classifications (1 of 4 stars). 2 submissions from 2 submitters: Uncertain significance (1); Likely benign (1). Last evaluated 2025-07-29.

Conditions:
Inborn genetic diseases. Identifiers: MedGen C0950123, MeSH D030342.
X-linked distal spinal muscular atrophy type 3. Also called: ATP7A-Related Distal Motor Neuropathy; NEURONOPATHY, DISTAL HEREDITARY MOTOR, X-LINKED; NEUROPATHY, DISTAL HEREDITARY MOTOR, X-LINKED; SPINAL MUSCULAR ATROPHY, DISTAL, X-LINKED RECESSIVE. Identifiers: Orphanet 139557, MedGen C1845359, MONDO:0010338, OMIM 300489.
Menkes kinky-hair syndrome (MNK). Also called: Classic Menkes Disease; Copper transport disease; Menkes Disease. Identifiers: Orphanet 565, MedGen C0022716, MONDO:0010651, OMIM 309400.
Cutis laxa, X-linked (OHS). Also called: EDS IX; Occipital horn syndrome. Identifiers: Orphanet 198, MedGen C0268353, MONDO:0010572, OMIM 304150.

Allele frequency attached by ClinVar (database versions not stated): gnomAD exomes 0.00001.
gnomAD v4.1: 13 of 1,210,310 alleles (0.0011%); highest among the groups gnomAD compares: Non-Finnish European, 0.0011%; no homozygotes.

Submissions (2):

Labcorp Genetics (formerly Invitae), Labcorp
Classification: Likely benign for X-linked distal spinal muscular atrophy type 3; Cutis laxa, X-linked; Menkes kinky-hair syndrome. Last evaluated: 2025-07-29. Review status: criteria provided, single submitter. Criteria: Invitae Variant Classification Sherloc (09022015). Collection method: clinical testing. Allele origin: germline.

Ambry Genetics
Classification: Uncertain significance for Inborn genetic diseases. Last evaluated: 2022-07-25. Review status: criteria provided, single submitter. Criteria: Ambry Variant Classification Scheme 2023. Collection method: clinical testing. Allele origin: germline.
Comment: The p.R636Q variant (also known as c.1907G>A), located in coding exon 7 of the ATP7A gene, results from a G to A substitution at nucleotide position 1907. The arginine at codon 636 is replaced by glutamine, an amino acid with highly similar properties. Based on data from gnomAD, the X allele has an overall frequency of 0.0005% (1/183316) total alleles studied, with 0 hemizygote(s) observed. The highest observed frequency was 0.0062% (1/16008) of Finnish alleles. This amino acid position is highly conserved in available vertebrate species. In addition, the in silico prediction for this alteration is inconclusive. Since supporting evidence is limited at this time, the clinical significance of this alteration remains unclear.